The following is an entry in ClinVar:

ClinVar aggregate classification (germline): Uncertain significance (1 of 4 stars; one submission).

Allele frequency attached by ClinVar (database versions not stated): gnomAD exomes below 0.00001.
gnomAD v4.1: 2 of 1,613,750 alleles (0.00012%); highest among the groups gnomAD compares: African/African-American, 0.0027%; no homozygotes.

Submission:

Labcorp Genetics (formerly Invitae), Labcorp
Classification: Uncertain significance. Last evaluated: 2024-02-17. Review status: criteria provided, single submitter. Criteria: Invitae Variant Classification Sherloc (09022015). Collection method: clinical testing. Allele origin: germline.
Comment: This sequence change replaces alanine, which is neutral and non-polar, with serine, which is neutral and polar, at codon 1339 of the FAT4 protein (p.Ala1339Ser). This variant is present in population databases (no rsID available, gnomAD 0.007%). This variant has not been reported in the literature in individuals affected with FAT4-related conditions. ClinVar contains an entry for this variant (Variation ID: 1491832). Advanced modeling of protein sequence and biophysical properties (such as structural, functional, and spatial information, amino acid conservation, physicochemical variation, residue mobility, and thermodynamic stability) performed at Invitae indicates that this missense variant is not expected to disrupt FAT4 protein function with a negative predictive value of 80%. In summary, the available evidence is currently insufficient to determine the role of this variant in disease. Therefore, it has been classified as a Variant of Uncertain Significance.

NM_001291303.3(FAT4):c.4015G>T (p.Ala1339Ser)

Gene: FAT4 (FAT atypical cadherin 4; plus strand). Cytogenetic location: 4q28.1.
Variant type: single nucleotide variant.
Coding change: c.4015G>T on transcript NM_001291303.3 (MANE Select); coding-DNA position 4015, G replaced by T.
Protein change: p.Ala1339Ser; replaces alanine 1339 with serine.
Molecular consequence: missense variant.
Genome position (GRCh38, 1-based): chr4:125,320,426, G>T. VCF-style: chr4-125320426-G-T. GRCh37 (hg19) VCF-style: chr4-126241581-G-T.
Other names: c.4015G>T, p.Ala1339Ser (NM_001291285.3, NM_024582.6); short protein forms A1339S.
Identifiers: ClinVar variation 1491832 (VCV001491832.8), dbSNP rs1466033768, ClinGen allele CA358125367.